The following is an entry in ClinVar:

ClinVar aggregate classification (germline): Uncertain significance (1 of 4 stars; one submission).

Conditions:
Mendelian susceptibility to mycobacterial diseases due to complete IL12RB1 deficiency. Also called: IL12RB1 DEFICIENCY; Immunodeficiency 30. Identifiers: Orphanet 319552, MedGen C4013949, MONDO:0013955, OMIM 614891.

Submission:

Labcorp Genetics (formerly Invitae), Labcorp
Classification: Uncertain significance for Mendelian susceptibility to mycobacterial diseases due to complete IL12RB1 deficiency. Last evaluated: 2025-02-06. Review status: criteria provided, single submitter. Criteria: Invitae Variant Classification Sherloc (09022015). Collection method: clinical testing. Allele origin: germline.
Comment: This sequence change affects the initiator methionine of the IL12RB1 mRNA. The next in-frame methionine is located at codon 157. This variant is not present in population databases (gnomAD no frequency). This variant has not been reported in the literature in individuals affected with IL12RB1-related conditions. Experimental studies and prediction algorithms are not available or were not evaluated, and the functional significance of this variant is currently unknown. In summary, the available evidence is currently insufficient to determine the role of this variant in disease. Therefore, it has been classified as a Variant of Uncertain Significance.

NM_005535.3(IL12RB1):c.2T>C (p.Met1Thr)

Gene: IL12RB1 (interleukin 12 receptor subunit beta 1; minus strand). Cytogenetic location: 19p13.11.
Variant type: single nucleotide variant.
Coding change: c.2T>C on transcript NM_005535.3 (MANE Select); coding-DNA position 2, T replaced by C.
Protein change: p.Met1Thr; changes the start codon (methionine 1).
Molecular consequence: missense variant, initiator codon variant.
Genome position (GRCh38, 1-based): chr19:18,086,822, A>G on the plus strand (T>C on the coding strand, the complement: IL12RB1 is on the minus strand). VCF-style: chr19-18086822-A-G. GRCh37 (hg19) VCF-style: chr19-18197632-A-G.
Other names: c.2T>C, p.Met1Thr (NM_001290023.2, NM_001440424.1, NM_001440425.1 and 1 more transcripts); c.122T>C, p.Met41Thr (NM_001290024.2, NM_001440426.1, NM_001440427.1); short protein forms M1T, M41T.
Identifiers: ClinVar variation 4712462 (VCV004712462.1).